The following is an entry in ClinVar:

NM_000531.6(OTC):c.377A>G (p.Asp126Gly)

Gene: OTC (ornithine transcarbamylase; plus strand). Cytogenetic location: Xp11.4.
Variant type: single nucleotide variant.
Coding change: c.377A>G on transcript NM_000531.6 (MANE Select); coding-DNA position 377, A replaced by G.
Protein change: p.Asp126Gly; replaces aspartic acid 126 with glycine.
Molecular consequence: missense variant.
Genome position (GRCh38, 1-based): chrX:38,381,420, A>G. VCF-style: chrX-38381420-A-G. GRCh37 (hg19) VCF-style: chrX-38240673-A-G.
Other names: short protein forms D126G.
Identifiers: ClinVar variation 97177 (VCV000097177.3), dbSNP rs72554358, ClinGen allele CA224564.

ClinVar aggregate classification (germline): Uncertain significance. Review status: criteria provided, single submitter (1 of 4 stars). 2 submissions from 2 submitters: Uncertain significance (1). 1 of the submissions does not count toward it. Last evaluated 2023-11-26.

Conditions:
Ornithine carbamoyltransferase deficiency (OTCD). Also called: ORNITHINE TRANSCARBAMYLASE DEFICIENCY, HYPERAMMONEMIA DUE TO; ORNITHINE TRANSCARBAMYLASE DEFICIENCY; OTC DEFICIENCY; Ornithine Carbamoyltransferase Deficiency Disease. Identifiers: Orphanet 664, MedGen C0268542, MONDO:0010703, OMIM 311250.

Submissions (2):

3billion
Classification: Uncertain significance for Ornithine carbamoyltransferase deficiency. Last evaluated: 2023-11-26. Review status: criteria provided, single submitter. Criteria: ACMG Guidelines, 2015. Collection method: clinical testing. Allele origin: germline. Affected: yes.
Comment: The variant is not observed in the gnomAD v2.1.1 dataset. Predicted Consequence/Location: Missense variant In silico tool predictions suggest damaging effect of the variant on gene or gene product [REVEL: 0.98 (>=0.6, sensitivity 0.68 and specificity 0.92); 3Cnet: 0.97 (>=0.6, sensitivity 0.72 and precision 0.9)]. Same nucleotide change resulting in same amino acid change has been previously reported to be associated with OTC related disorder (ClinVar ID: VCV000097177 /PMID: 8081398). A different missense change at the same codon (p.Asp126Asn) has been reported to be associated with OTC related disorder (ClinVar ID: VCV001973524). Therefore, this variant is classified as VUS according to the recommendation of ACMG/AMP guideline.

GenMed Metabolism Lab
Classification: Pathogenic. Review status: no assertion criteria provided. Collection method: not provided. Allele origin: unknown. Not counted in ClinVar's aggregate classification.
Comment: p.Asp126Gly, Neonatal
ClinVar note: Converted during submission from pathogenic to Pathogenic.

Literature cited by the submitters: PubMed 8081398 (cited by 3billion).